The following is an entry in ClinVar:

NM_001378030.1(CCDC78):c.436-8C>T

Gene: CCDC78 (coiled-coil domain containing 78; minus strand). Cytogenetic location: 16p13.3.
Variant type: single nucleotide variant.
Coding change: c.436-8C>T on transcript NM_001378030.1 (MANE Select); 8 bases into the intron before coding-DNA position 436, C replaced by T.
Molecular consequence: intron variant.
Genome position (GRCh38, 1-based): chr16:725,301, G>A on the plus strand (C>T on the coding strand, the complement: CCDC78 is on the minus strand). VCF-style: chr16-725301-G-A. GRCh37 (hg19) VCF-style: chr16-775301-G-A.
Other names: c.-18-8C>T (NM_001378033.1); c.436-8C>T (NM_001378031.1, NM_001031737.3, NM_001031737.2).
Identifiers: ClinVar variation 2106598 (VCV002106598.6), dbSNP rs752209523, ClinGen allele CA7789594.

ClinVar aggregate classification (germline): Likely benign. Review status: criteria provided, single submitter (1 of 4 stars). 2 submissions from 2 submitters: Likely benign (1). 1 of the submissions does not count toward it. Last evaluated 2025-09-28.

Conditions:
CCDC78-related disorder. Also called: CCDC78-related condition.
Congenital myopathy with internal nuclei and atypical cores. Also called: Myopathy, centronuclear, 4. Identifiers: Orphanet 319160, MedGen C4707232, MONDO:0013890, OMIM 614807.

Allele frequency attached by ClinVar (database versions not stated): gnomAD 0.00001; TOPMed 0.00003; ExAC 0.00004.

Submissions (2):

Labcorp Genetics (formerly Invitae), Labcorp
Classification: Likely benign for Congenital myopathy with internal nuclei and atypical cores. Last evaluated: 2025-09-28. Review status: criteria provided, single submitter. Criteria: Invitae Variant Classification Sherloc (09022015). Collection method: clinical testing. Allele origin: germline.

PreventionGenetics, part of Exact Sciences
Classification: Likely benign for CCDC78-related condition. Last evaluated: 2019-06-27. Review status: no assertion criteria provided. Collection method: clinical testing. Allele origin: germline. Not counted in ClinVar's aggregate classification.
Comment: This variant is classified as likely benign based on ACMG/AMP sequence variant interpretation guidelines (Richards et al. 2015 PMID: 25741868, with internal and published modifications).